The following is an entry in ClinVar:

NM_006614.4(CHL1):c.679+7C>T

Gene: CHL1 (cell adhesion molecule L1 like; plus strand). Cytogenetic location: 3p26.3.
Variant type: single nucleotide variant.
Coding change: c.679+7C>T on transcript NM_006614.4 (MANE Select); 7 bases into the intron after coding-DNA position 679, C replaced by T.
Molecular consequence: intron variant.
Genome position (GRCh38, 1-based): chr3:342,089, C>T. VCF-style: chr3-342089-C-T. GRCh37 (hg19) VCF-style: chr3-383772-C-T.
Other names: c.679+7C>T (NM_001253387.2, NM_001253388.1).
Identifiers: ClinVar variation 3058743 (VCV003058743.2), dbSNP rs779243871, ClinGen allele CA2224400.

ClinVar aggregate classification (germline): Likely benign (0 of 4 stars; one submission).

Conditions:
CHL1-related disorder. Also called: CHL1-related condition.

Allele frequency attached by ClinVar (database versions not stated): ExAC 0.00001; gnomAD 0.00001; TOPMed 0.00002.
gnomAD v4.1: 24 of 1,598,340 alleles (0.0015%); highest among the groups gnomAD compares: Middle Eastern, 0.05%; no homozygotes.

Submission:

PreventionGenetics, part of Exact Sciences
Classification: Likely benign for CHL1-related condition. Last evaluated: 2019-03-12. Review status: no assertion criteria provided. Collection method: clinical testing. Allele origin: germline.
Comment: This variant is classified as likely benign based on ACMG/AMP sequence variant interpretation guidelines (Richards et al. 2015 PMID: 25741868, with internal and published modifications).